The following is an entry in ClinVar:

NM_004958.4(MTOR):c.1742G>A (p.Ser581Asn)

Gene: MTOR (mechanistic target of rapamycin kinase; minus strand). Cytogenetic location: 1p36.22.
Variant type: single nucleotide variant.
Coding change: c.1742G>A on transcript NM_004958.4 (MANE Select); coding-DNA position 1742, G replaced by A.
Protein change: p.Ser581Asn; replaces serine 581 with asparagine.
Molecular consequence: missense variant.
Genome position (GRCh38, 1-based): chr1:11,240,347, C>T on the plus strand (G>A on the coding strand, the complement: MTOR is on the minus strand). VCF-style: chr1-11240347-C-T. GRCh37 (hg19) VCF-style: chr1-11300404-C-T.
Other names: c.1742G>A (LRG_734t1); short protein forms S581N.
Identifiers: ClinVar variation 408299 (VCV000408299.10), dbSNP rs1060501910, ClinGen allele CA16609857.

ClinVar aggregate classification (germline): Uncertain significance (1 of 4 stars; one submission).

Allele frequency attached by ClinVar (database versions not stated): gnomAD exomes below 0.00001.
gnomAD v4.1: 1 of 1,610,404 alleles (0.000062%); highest among the groups gnomAD compares: Admixed American, 0.0017%; no homozygotes.

Submission:

Labcorp Genetics (formerly Invitae), Labcorp
Classification: Uncertain significance. Last evaluated: 2022-06-20. Review status: criteria provided, single submitter. Criteria: Invitae Variant Classification Sherloc (09022015). Collection method: clinical testing. Allele origin: germline.
Comment: In summary, the available evidence is currently insufficient to determine the role of this variant in disease. Therefore, it has been classified as a Variant of Uncertain Significance. This sequence change replaces serine, which is neutral and polar, with asparagine, which is neutral and polar, at codon 581 of the MTOR protein (p.Ser581Asn). This variant is present in population databases (no rsID available, gnomAD 0.003%). This variant has not been reported in the literature in individuals affected with MTOR-related conditions. ClinVar contains an entry for this variant (Variation ID: 408299). Advanced modeling of protein sequence and biophysical properties (such as structural, functional, and spatial information, amino acid conservation, physicochemical variation, residue mobility, and thermodynamic stability) performed at Invitae indicates that this missense variant is not expected to disrupt MTOR protein function.